The following is an entry in ClinVar:

ClinVar aggregate classification (germline): Uncertain significance (1 of 4 stars; one submission).

Allele frequency attached by ClinVar (database versions not stated): TOPMed below 0.00001; gnomAD 0.00001; gnomAD exomes 0.00001.
gnomAD v4.1: 21 of 1,613,710 alleles (0.0013%); highest among the groups gnomAD compares: Non-Finnish European, 0.0017%; no homozygotes.

Submission:

Labcorp Genetics (formerly Invitae), Labcorp
Classification: Uncertain significance. Last evaluated: 2022-06-15. Review status: criteria provided, single submitter. Criteria: Invitae Variant Classification Sherloc (09022015). Collection method: clinical testing. Allele origin: germline.
Comment: This sequence change replaces glycine, which is neutral and non-polar, with alanine, which is neutral and non-polar, at codon 792 of the ERBIN protein (p.Gly792Ala). This variant is present in population databases (no rsID available, gnomAD 0.002%). This variant has not been reported in the literature in individuals affected with ERBIN-related conditions. In summary, the available evidence is currently insufficient to determine the role of this variant in disease. Therefore, it has been classified as a Variant of Uncertain Significance. Algorithms developed to predict the effect of missense changes on protein structure and function (SIFT, PolyPhen-2, Align-GVGD) all suggest that this variant is likely to be tolerated.

NM_001253697.2(ERBIN):c.2375G>C (p.Gly792Ala)

Gene: ERBIN (erbb2 interacting protein; plus strand). Cytogenetic location: 5q12.3.
Variant type: single nucleotide variant.
Coding change: c.2375G>C on transcript NM_001253697.2 (MANE Select); coding-DNA position 2375, G replaced by C.
Protein change: p.Gly792Ala; replaces glycine 792 with alanine.
Molecular consequence: missense variant.
Genome position (GRCh38, 1-based): chr5:66,053,693, G>C. VCF-style: chr5-66053693-G-C. GRCh37 (hg19) VCF-style: chr5-65349521-G-C.
Other names: c.2375G>C, p.Gly792Ala (NM_001006600.3, NM_001253698.2, NM_001253699.2 and 1 more transcripts); c.2363G>C, p.Gly788Ala (NM_001253701.2); short protein forms G788A, G792A.
Identifiers: ClinVar variation 2007328 (VCV002007328.4), dbSNP rs1247407724, ClinGen allele CA359866728.